The following is an entry in ClinVar:

NM_000440.3(PDE6A):c.1250_1253dup (p.Leu419fs)

Gene: PDE6A (phosphodiesterase 6A; minus strand). Cytogenetic location: 5q32.
Variant type: Duplication.
Coding change: c.1250_1253dup on transcript NM_000440.3 (MANE Select); coding-DNA positions 1250 to 1253, 4 bases duplicated (AGAC; older notation c.1250_1253dupAGAC).
Protein change: p.Leu419fs; shifts the reading frame from leucine 419.
Molecular consequence: frameshift variant.
Genome position (GRCh38, 1-based): chr5:149,899,385-149,899,388, GTCT duplicated on the plus strand (AGAC on the coding strand, the reverse complement: PDE6A is on the minus strand). VCF-style (leftmost placement, unchanged base first): chr5-149899384-C-CGTCT. GRCh37 (hg19) VCF-style: chr5-149278947-C-CGTCT.
Other names: c.1007_1010dup, p.Leu338fs (NM_001410788.1); short protein forms L338fs, L419fs.
Identifiers: ClinVar variation 2628401 (VCV002628401.1), dbSNP rs2480577993, ClinGen allele CA2695198781.

ClinVar aggregate classification (germline): Likely pathogenic (1 of 4 stars; one submission).

Conditions:
PDE6A-related disorder. Also called: PDE6A-related condition.

Submission:

PreventionGenetics, part of Exact Sciences
Classification: Likely pathogenic for PDE6A-related condition. Last evaluated: 2022-09-22. Review status: criteria provided, single submitter. Criteria: ACMG Guidelines, 2015. Collection method: clinical testing. Allele origin: germline.
Comment: The PDE6A c.1250_1253dupAGAC variant is predicted to result in a frameshift and premature protein termination (p.Leu419Aspfs*18). To our knowledge, this variant has not been reported in the literature or in a large population database, indicating this variant is rare. Frameshift variants in PDE6A are expected to be pathogenic, and therefore we interpret c.1250_1253dup (p.Leu419Aspfs*18) as likely pathogenic.